The following is an entry in ClinVar:

NM_005763.4(AASS):c.2537A>G (p.His846Arg)

Gene: AASS (aminoadipate-semialdehyde synthase; minus strand). Cytogenetic location: 7q31.32.
Variant type: single nucleotide variant.
Coding change: c.2537A>G on transcript NM_005763.4 (MANE Select); coding-DNA position 2537, A replaced by G.
Protein change: p.His846Arg; replaces histidine 846 with arginine.
Molecular consequence: missense variant.
Genome position (GRCh38, 1-based): chr7:122,077,963, T>C on the plus strand (A>G on the coding strand, the complement: AASS is on the minus strand). VCF-style: chr7-122077963-T-C. GRCh37 (hg19) VCF-style: chr7-121718017-T-C.
Other names: short protein forms H846R.
Identifiers: ClinVar variation 389805 (VCV000389805.5), dbSNP rs370656085, ClinGen allele CA4457986.

ClinVar aggregate classification (germline): Uncertain significance. Review status: criteria provided, multiple submitters, no conflicts (2 of 4 stars). 3 submissions from 3 submitters: Uncertain significance (3). Last evaluated 2025-10-21.

Conditions:
Inborn genetic diseases. Identifiers: MedGen C0950123, MeSH D030342.

Allele frequency attached by ClinVar (database versions not stated): gnomAD 0.00007 and 0.00009; ExAC 0.00010; gnomAD exomes 0.00010 and 0.00011; TOPMed 0.00010; ESP Exome Variant Server 0.00015.
gnomAD v4.1: 155 of 1,614,112 alleles (0.0096%); highest among the groups gnomAD compares: Non-Finnish European, 0.013%; 2 homozygotes.

Submissions (3):

Labcorp Genetics (formerly Invitae), Labcorp
Classification: Uncertain significance. Last evaluated: 2025-10-21. Review status: criteria provided, single submitter. Criteria: Invitae Variant Classification Sherloc (09022015). Collection method: clinical testing. Allele origin: germline.
Comment: This sequence change replaces histidine, which is basic and polar, with arginine, which is basic and polar, at codon 846 of the AASS protein (p.His846Arg). This variant is present in population databases (rs370656085, gnomAD 0.02%). This variant has not been reported in the literature in individuals affected with AASS-related conditions. ClinVar contains an entry for this variant (Variation ID: 389805). Invitae Evidence Modeling of protein sequence and biophysical properties (such as structural, functional, and spatial information, amino acid conservation, physicochemical variation, residue mobility, and thermodynamic stability) indicates that this missense variant is not expected to disrupt AASS protein function with a negative predictive value of 80%. In summary, the available evidence is currently insufficient to determine the role of this variant in disease. Therefore, it has been classified as a Variant of Uncertain Significance.

Ambry Genetics
Classification: Uncertain significance for Inborn genetic diseases. Last evaluated: 2021-08-30. Review status: criteria provided, single submitter. Criteria: Ambry Variant Classification Scheme 2023. Collection method: clinical testing. Allele origin: germline.

GeneDx
Classification: Uncertain significance. Last evaluated: 2016-10-10. Review status: criteria provided, single submitter. Criteria: GeneDx Variant Classification (06012015). Collection method: clinical testing. Allele origin: germline. Affected: yes.
Comment: The H846R variant in the AASS gene has not been reported previously as a pathogenic variant, nor as a benign variant, to our knowledge. The H846R variant was not observed with any significant frequency in approximately 6500 individuals of European and African American ancestry in the NHLBI Exome Sequencing Project, indicating it is not a common benign variant in these populations. This substitution occurs at a position that is conserved across species. In silico analysis is inconsistent in its predictions as to whether or not the variant is damaging to the protein structure/function. The H846R variant is a conservative amino acid substitution, which is not likely to impact secondary protein structure as these residues share similar properties. We interpret H846R as a variant of uncertain significance.